The following is an entry in ClinVar:

NM_001605.3(AARS1):c.480G>C (p.Gly160=)

Gene: AARS1 (alanyl-tRNA synthetase 1; minus strand). Cytogenetic location: 16q22.1.
Variant type: single nucleotide variant.
Coding change: c.480G>C on transcript NM_001605.3 (MANE Select); coding-DNA position 480, G replaced by C.
Protein change: p.Gly160=; no amino-acid change (glycine 160 retained).
Molecular consequence: synonymous variant.
Genome position (GRCh38, 1-based): chr16:70,271,972, C>G on the plus strand (G>C on the coding strand, the complement: AARS1 is on the minus strand). VCF-style: chr16-70271972-C-G. GRCh37 (hg19) VCF-style: chr16-70305875-C-G.
Other names: c.480G>C (NM_001605.2).
Identifiers: ClinVar variation 1682305 (VCV001682305.9), dbSNP rs2152163363, ClinGen allele CA496210961.

ClinVar aggregate classification (germline): Conflicting classifications of pathogenicity. Review status: criteria provided, conflicting classifications (1 of 4 stars). 2 submissions from 2 submitters: Uncertain significance (1); Likely benign (1). Last evaluated 2024-05-30.

Conditions:
Charcot-Marie-Tooth disease type 2. Also called: Charcot-Marie-Tooth type 2. Identifiers: Orphanet 64746, MedGen C0270914, MONDO:0018993.
Inborn genetic diseases. Identifiers: MedGen C0950123, MeSH D030342.

Submissions (2):

Ambry Genetics
Classification: Likely benign for Inborn genetic diseases. Last evaluated: 2024-05-30. Review status: criteria provided, single submitter. Criteria: Ambry Variant Classification Scheme 2023. Collection method: clinical testing. Allele origin: germline.

Labcorp Genetics (formerly Invitae), Labcorp
Classification: Uncertain significance for Charcot-Marie-Tooth disease type 2. Last evaluated: 2021-01-04. Review status: criteria provided, single submitter. Criteria: Invitae Variant Classification Sherloc (09022015). Collection method: clinical testing. Allele origin: germline.
Comment: This sequence change affects codon 160 of the AARS mRNA. It is a 'silent' change, meaning that it does not change the encoded amino acid sequence of the AARS protein. This variant is not present in population databases (ExAC no frequency). This variant has not been reported in the literature in individuals with AARS-related conditions. Algorithms developed to predict the effect of sequence changes on RNA splicing suggest that this variant may disrupt the consensus splice site, but this prediction has not been confirmed by published transcriptional studies. In summary, the available evidence is currently insufficient to determine the role of this variant in disease. Therefore, it has been classified as a Variant of Uncertain Significance.